The following is an entry in ClinVar:

NM_000268.4(NF2):c.1501A>C (p.Ile501Leu)

Gene: NF2 (NF2, moesin-ezrin-radixin like (MERLIN) tumor suppressor; plus strand). Cytogenetic location: 22q12.2.
Variant type: single nucleotide variant.
Coding change: c.1501A>C on transcript NM_000268.4 (MANE Select); coding-DNA position 1501, A replaced by C.
Protein change: p.Ile501Leu; replaces isoleucine 501 with leucine.
Molecular consequence: missense variant. On other transcripts: non-coding transcript variant (1), intron variant (1).
Genome position (GRCh38, 1-based): chr22:29,678,250, A>C. VCF-style: chr22-29678250-A-C. GRCh37 (hg19) VCF-style: chr22-30074239-A-C.
Other names: c.1387A>C, p.Ile463Leu (NM_001407053.1, NM_001407056.1); c.1378A>C, p.Ile460Leu (NM_001407054.1, NM_001407058.1, NM_181829.3); c.1375A>C, p.Ile459Leu (NM_001407055.1, NM_181828.3); c.1366A>C, p.Ile456Leu (NM_001407057.1, NM_001407059.1); c.1501A>C, p.Ile501Leu (NM_001407060.1, NM_001407066.1, NM_016418.5 and 2 more transcripts); c.1243A>C, p.Ile415Leu (NM_001407062.1); c.1252A>C, p.Ile418Leu (NM_001407063.1, NM_001407064.1, NM_181830.3 and 1 more transcripts); c.967A>C, p.Ile323Leu (NM_001407065.1); and 2 more; short protein forms I323L, I415L, I418L, I460L, I463L, I501L, I424L, I456L.
Identifiers: ClinVar variation 4661473 (VCV004661473.1).

ClinVar aggregate classification (germline): Uncertain significance (1 of 4 stars; one submission).

Conditions:
Hereditary cancer-predisposing syndrome. Also called: Neoplastic Syndromes, Hereditary; Tumor predisposition; Hereditary Cancer Syndrome; Hereditary neoplastic syndrome. Identifiers: Orphanet 140162, MedGen C0027672, MeSH D009386, MONDO:0015356.

Submission:

Ambry Genetics
Classification: Uncertain significance for Hereditary cancer-predisposing syndrome. Last evaluated: 2025-10-23. Review status: criteria provided, single submitter. Criteria: Ambry Variant Classification Scheme 2023. Collection method: clinical testing. Allele origin: germline.
Comment: The p.I501L variant (also known as c.1501A>C), located in coding exon 14 of the NF2 gene, results from an A to C substitution at nucleotide position 1501. The isoleucine at codon 501 is replaced by leucine, an amino acid with highly similar properties. This amino acid position is conserved. In addition, this alteration is predicted to be tolerated by in silico analysis. Based on the available evidence, the clinical significance of this variant remains unclear.